The following is an entry in ClinVar:

NM_198576.4(AGRN):c.751G>A (p.Val251Met)

Gene: AGRN (agrin; plus strand). Cytogenetic location: 1p36.33.
Variant type: single nucleotide variant.
Coding change: c.751G>A on transcript NM_198576.4 (MANE Select); coding-DNA position 751, G replaced by A.
Protein change: p.Val251Met; replaces valine 251 with methionine.
Molecular consequence: missense variant.
Genome position (GRCh38, 1-based): chr1:1,041,196, G>A. VCF-style: chr1-1041196-G-A. GRCh37 (hg19) VCF-style: chr1-976576-G-A.
Other names: c.751G>A, p.Val251Met (NM_001305275.2); c.436G>A, p.Val146Met (NM_001364727.2); c.751G>A (NM_198576.3); short protein forms V251M, V146M.
Identifiers: ClinVar variation 2041353 (VCV002041353.2), dbSNP rs1216484445, ClinGen allele CA337823613.
Genomic context (GRCh38, chr1:1,041,196, plus strand): 5'-GGGGCGGCCCGTCTGACCGGCAAAGCCCCGCCCGCAGGCTCGCGGGACCCCTGCTCCAAC[G>A]TGACCTGCAGCTTCGGCAGCACCTGTGCGCGCTCGGCCGACGGGCTGACGGCCTCGTGCC-3'
Protein context (NP_940978.2, residues 241-261): PCGSRDPCSN[Val251Met]TCSFGSTCAR

ClinVar aggregate classification (germline): Uncertain significance. Review status: criteria provided, multiple submitters, no conflicts (2 of 4 stars). 2 submissions from 2 submitters: Uncertain significance (2). Last evaluated 2025-02-18.

Conditions:
Congenital myasthenic syndrome 8. Also called: MYASTHENIC SYNDROME, CONGENITAL, DUE TO AGRIN DEFICIENCY; Myasthenic syndrome, congenital, 8, with pre- and postsynaptic defects. Identifiers: Orphanet 590, MedGen C3808739, MONDO:0014052, OMIM 615120.
Inborn genetic diseases. Identifiers: MedGen C0950123, MeSH D030342.

Allele frequency attached by ClinVar (database versions not stated): gnomAD exomes 0.00001; gnomAD 0.00002; TOPMed 0.00002.
gnomAD v4.1: 22 of 1,461,754 alleles (0.0015%); highest among the groups gnomAD compares: Admixed American, 0.0025%; no homozygotes.

Submissions (2):

Ambry Genetics
Classification: Uncertain significance for Inborn genetic diseases. Last evaluated: 2025-02-18. Review status: criteria provided, single submitter. Criteria: Ambry Variant Classification Scheme 2023. Collection method: clinical testing. Allele origin: germline.

Labcorp Genetics (formerly Invitae), Labcorp
Classification: Uncertain significance for Congenital myasthenic syndrome 8. Last evaluated: 2022-05-27. Review status: criteria provided, single submitter. Criteria: Invitae Variant Classification Sherloc (09022015). Collection method: clinical testing. Allele origin: germline.
Comment: This sequence change replaces valine, which is neutral and non-polar, with methionine, which is neutral and non-polar, at codon 251 of the AGRN protein (p.Val251Met). The frequency data for this variant in the population databases is considered unreliable, as metrics indicate poor data quality at this position in the gnomAD database. This variant has not been reported in the literature in individuals affected with AGRN-related conditions. Algorithms developed to predict the effect of missense changes on protein structure and function are either unavailable or do not agree on the potential impact of this missense change (SIFT: "Deleterious"; PolyPhen-2: "Possibly Damaging"; Align-GVGD: "Class C0"). In summary, the available evidence is currently insufficient to determine the role of this variant in disease. Therefore, it has been classified as a Variant of Uncertain Significance.